The following is an entry in ClinVar:

NM_003640.5(ELP1):c.897dup (p.Val300fs)

Gene: ELP1 (elongator acetyltransferase complex subunit 1; minus strand). Cytogenetic location: 9q31.3.
Variant type: Duplication.
Coding change: c.897dup on transcript NM_003640.5 (MANE Select); coding-DNA position 897, one base duplicated (T; older notation c.897dupT).
Protein change: p.Val300fs; shifts the reading frame from valine 300.
Molecular consequence: frameshift variant. On other transcripts: 5 prime UTR variant (1).
Genome position (GRCh38, 1-based): chr9:108,916,265, A duplicated on the plus strand (T on the coding strand, the reverse complement: ELP1 is on the minus strand). VCF-style (leftmost placement, unchanged base first): chr9-108916264-C-CA. GRCh37 (hg19) VCF-style: chr9-111678544-C-CA.
Other names: c.555dup, p.Val186fs (NM_001318360.2); c.-151dup (NM_001330749.2); short protein forms V186fs, V300fs.
Identifiers: ClinVar variation 5012577 (VCV005012577.1).

ClinVar aggregate classification (germline): Pathogenic (1 of 4 stars; one submission).

Conditions:
Familial dysautonomia. Also called: HSAN III; FD. Identifiers: Orphanet 1764, MedGen C0013364, MONDO:0009131, OMIM 223900. Disease mechanism: loss of function.

Submission:

Myriad Genetics, Inc.
Classification: Pathogenic for Familial dysautonomia. Last evaluated: 2023-12-15. Review status: criteria provided, single submitter. Criteria: Myriad Autosomal Dominant, Autosomal Recessive and X-Linked Classification Criteria (2023). Collection method: clinical testing. Allele origin: unknown.
Comment: NM_003640.3(ELP1):c.897dupT(V300Cfs*73) is expected to be pathogenic in the context of familial dysautonomia. This variant is predicted to lead to an abnormal or absent protein product due to the creation of a premature termination codon in ELP1, a gene where loss-of-function variants are known to be pathogenic. Please note: this variant was assessed in the context of healthy population screening.